The following is an entry in ClinVar:

ClinVar aggregate classification (germline): Pathogenic/Likely pathogenic. Review status: criteria provided, multiple submitters, no conflicts (2 of 4 stars). 3 submissions from 3 submitters: Pathogenic (2); Likely pathogenic (1). Last evaluated 2024-07-23.

Conditions:
Fanconi anemia complementation group E (FANCE). Also called: FANCE-Related Fanconi Anemia. Identifiers: Orphanet 84, MedGen C3160739, MONDO:0010953, OMIM 600901.

Allele frequency attached by ClinVar (database versions not stated): gnomAD exomes below 0.00001; TOPMed below 0.00001; ExAC 0.00001; gnomAD 0.00001.
gnomAD v4.1: 14 of 1,613,950 alleles (0.00087%); highest among the groups gnomAD compares: East Asian, 0.0022%; no homozygotes.

Submissions (3):

Labcorp Genetics (formerly Invitae), Labcorp
Classification: Pathogenic for Fanconi anemia complementation group E. Last evaluated: 2024-07-23. Review status: criteria provided, single submitter. Criteria: Invitae Variant Classification Sherloc (09022015). Collection method: clinical testing. Allele origin: germline.
Comment: This sequence change creates a premature translational stop signal (p.Arg89*) in the FANCE gene. It is expected to result in an absent or disrupted protein product. Loss-of-function variants in FANCE are known to be pathogenic (PMID: 11001585, 17924555). This variant is present in population databases (rs752690798, gnomAD 0.006%). This variant has not been reported in the literature in individuals affected with FANCE-related conditions. ClinVar contains an entry for this variant (Variation ID: 1074477). For these reasons, this variant has been classified as Pathogenic.

Baylor Genetics
Classification: Likely pathogenic for Fanconi anemia complementation group E. Last evaluated: 2024-01-18. Review status: criteria provided, single submitter. Criteria: ACMG Guidelines, 2015. Collection method: clinical testing. Allele origin: unknown.

Fulgent Genetics
Classification: Pathogenic for Fanconi anemia complementation group E. Last evaluated: 2021-12-11. Review status: criteria provided, single submitter. Criteria: ACMG Guidelines, 2015. Collection method: clinical testing. Allele origin: unknown.

Literature cited by the submitters: PubMed 11001585 (cited by Labcorp Genetics (formerly Invitae), Labcorp); PubMed 17924555 (cited by Labcorp Genetics (formerly Invitae), Labcorp).

NM_021922.3(FANCE):c.265C>T (p.Arg89Ter)

Gene: FANCE (FA complementation group E; plus strand). Cytogenetic location: 6p21.31.
Variant type: single nucleotide variant.
Coding change: c.265C>T on transcript NM_021922.3 (MANE Select); coding-DNA position 265, C replaced by T.
Protein change: p.Arg89Ter; replaces arginine 89 with a stop codon.
Molecular consequence: nonsense.
Genome position (GRCh38, 1-based): chr6:35,455,763, C>T. VCF-style: chr6-35455763-C-T. GRCh37 (hg19) VCF-style: chr6-35423540-C-T.
Other names: short protein forms R89*.
Identifiers: ClinVar variation 1074477 (VCV001074477.12), dbSNP rs752690798, ClinGen allele CA3771368.